The following is an entry in ClinVar:

NM_001875.5(CPS1):c.3450dup (p.Phe1151fs)

Gene: CPS1 (carbamoyl-phosphate synthase 1; plus strand). Cytogenetic location: 2q34.
Variant type: Duplication.
Coding change: c.3450dup on transcript NM_001875.5 (MANE Select); coding-DNA position 3450, one base duplicated (A; older notation c.3450dupA).
Protein change: p.Phe1151fs; shifts the reading frame from phenylalanine 1151.
Molecular consequence: frameshift variant. On other transcripts: non-coding transcript variant (2).
Genome position (GRCh38, 1-based): chr2:210,650,408, A duplicated; the last of 6 consecutive A bases (chr2:210,650,403-210,650,408); duplicating any one gives the same sequence. VCF-style (leftmost placement, unchanged base first): chr2-210650402-G-GA. GRCh37 (hg19) VCF-style: chr2-211515126-G-GA.
Other names: c.3450dup, p.Phe1151fs (NM_001122633.3, NM_001369257.1); c.3483dup, p.Phe1162fs (NM_001369256.1); short protein forms F1151fs, F1162fs.
Identifiers: ClinVar variation 5013798 (VCV005013798.1).

ClinVar aggregate classification (germline): Pathogenic (1 of 4 stars; one submission).

Conditions:
Congenital hyperammonemia, type I. Also called: CPS I DEFICIENCY; Carbamoyl phosphate synthetase 1 deficiency; Hyperammonemia due to carbamoyl phosphate synthetase 1 deficiency; CPS 1 deficiency; Carbamyl phosphate synthetase (CPS) deficiency; Carbamoyl phosphate synthetase I deficiency disease. Identifiers: Orphanet 147, MedGen C4082171, MONDO:0009376, OMIM 237300.

Submission:

Myriad Genetics, Inc.
Classification: Pathogenic for Congenital hyperammonemia, type I. Last evaluated: 2024-11-23. Review status: criteria provided, single submitter. Criteria: Myriad Autosomal Dominant, Autosomal Recessive and X-Linked Classification Criteria (2023). Collection method: clinical testing. Allele origin: unknown.
Comment: NM_001875.4(CPS1):c.3450dupA(F1151Ifs*7) is expected to be pathogenic in the context of carbamoylphosphate synthetase I deficiency. This variant is predicted to lead to an abnormal or absent protein product due to the creation of a premature termination codon in CPS1, a gene where loss-of-function variants are known to be pathogenic. Please note: this variant was assessed in the context of healthy population screening.